The following is an entry in ClinVar:

NM_001312909.2(FAM111A):c.1639G>T (p.Asp547Tyr)

Gene: FAM111A (FAM111 trypsin like peptidase A; plus strand). Cytogenetic location: 11q12.1.
Variant type: single nucleotide variant.
Coding change: c.1639G>T on transcript NM_001312909.2 (MANE Select); coding-DNA position 1639, G replaced by T.
Protein change: p.Asp547Tyr; replaces aspartic acid 547 with tyrosine.
Molecular consequence: missense variant.
Genome position (GRCh38, 1-based): chr11:59,153,307, G>T. VCF-style: chr11-59153307-G-T. GRCh37 (hg19) VCF-style: chr11-58920780-G-T.
Other names: c.1639G>T, p.Asp547Tyr (NM_001374851.1, NM_001374852.1, NM_001374853.1 and 29 more transcripts); short protein forms D547Y.
Identifiers: ClinVar variation 3001103 (VCV003001103.3), dbSNP rs748095377, ClinGen allele CA380789449.

ClinVar aggregate classification (germline): Uncertain significance (1 of 4 stars; one submission).

Submission:

Labcorp Genetics (formerly Invitae), Labcorp
Classification: Uncertain significance. Last evaluated: 2023-06-06. Review status: criteria provided, single submitter. Criteria: Invitae Variant Classification Sherloc (09022015). Collection method: clinical testing. Allele origin: germline.
Comment: In summary, the available evidence is currently insufficient to determine the role of this variant in disease. Therefore, it has been classified as a Variant of Uncertain Significance. Advanced modeling of protein sequence and biophysical properties (such as structural, functional, and spatial information, amino acid conservation, physicochemical variation, residue mobility, and thermodynamic stability) performed at Invitae indicates that this missense variant is expected to disrupt FAM111A protein function. This sequence change replaces aspartic acid, which is acidic and polar, with tyrosine, which is neutral and polar, at codon 547 of the FAM111A protein (p.Asp547Tyr). This variant is not present in population databases (gnomAD no frequency). This variant has not been reported in the literature in individuals affected with FAM111A-related conditions.